The following is an entry in ClinVar:

NM_025152.3(NUBPL):c.*273C>T

Gene: NUBPL (NUBP iron-sulfur cluster assembly factor, mitochondrial; plus strand). Cytogenetic location: 14q12.
Variant type: single nucleotide variant.
Coding change: c.*273C>T on transcript NM_025152.3 (MANE Select); 273 bases downstream of the stop codon, C replaced by T.
Molecular consequence: 3 prime UTR variant. On other transcripts: non-coding transcript variant (1).
Genome position (GRCh38, 1-based): chr14:31,859,453, C>T. VCF-style: chr14-31859453-C-T. GRCh37 (hg19) VCF-style: chr14-32328659-C-T.
Other names: c.*273C>T (NM_001201573.2, NM_001201574.2).
Identifiers: ClinVar variation 313035 (VCV000313035.7), dbSNP rs76188062, ClinGen allele CA10645197.

ClinVar aggregate classification (germline): Benign. Review status: criteria provided, multiple submitters, no conflicts (2 of 4 stars). 3 submissions from 3 submitters: Benign (3). Last evaluated 2018-06-14.

Conditions:
Mitochondrial complex I deficiency, nuclear type 1. Also called: NADH-COENZYME Q REDUCTASE DEFICIENCY; MITOCHONDRIAL NADH DEHYDROGENASE COMPONENT OF COMPLEX I, DEFICIENCY OF. Identifiers: MedGen C6022305, MONDO:0100224, OMIM 252010.

Allele frequency attached by ClinVar (database versions not stated): 1000 Genomes Project 30x 0.05746; 1000 Genomes Project 0.05831; TOPMed 0.09490; gnomAD 0.09973 and 0.10021.
gnomAD v4.1: 51,973 of 441,858 alleles (12%); highest among the groups gnomAD compares: Non-Finnish European, 15%; 3,589 homozygotes.

Submissions (3):

GeneDx
Classification: Benign. Last evaluated: 2018-06-14. Review status: criteria provided, single submitter. Criteria: GeneDx Variant Classification Process June 2021. Collection method: clinical testing. Allele origin: germline. Affected: yes.

Illumina Laboratory Services, Illumina
Classification: Benign for Mitochondrial complex I deficiency, nuclear type 1. Last evaluated: 2018-01-12. Review status: criteria provided, single submitter. Criteria: ICSL Variant Classification Criteria 13 December 2019. Collection method: clinical testing. Allele origin: germline.
Comment: This variant was observed in the ICSL laboratory as part of a predisposition screen in an ostensibly healthy population. It had not been previously curated by ICSL or reported in the Human Gene Mutation Database (HGMD: prior to June 1st, 2018), and was therefore a candidate for classification through an automated scoring system. Utilizing variant allele frequency, disease prevalence and penetrance estimates, and inheritance mode, an automated score was calculated to assess if this variant is too frequent to cause the disease. Based on the score and internal cut-off values, a variant classified as benign is not then subjected to further curation. The score for this variant resulted in a classification of benign for this disease.

Breakthrough Genomics
Classification: Benign. Review status: criteria provided, single submitter. Criteria: ACMG Guidelines, 2015. Collection method: not provided. Allele origin: germline. Inheritance: Autosomal recessive inheritance. Affected: yes.